The following is an entry in ClinVar:

ClinVar aggregate classification (germline): Uncertain significance (1 of 4 stars; one submission).

Conditions:
Arrhythmogenic right ventricular dysplasia 5. Also called: Arrhythmogenic Right Ventricular Dysplasia/Cardiomyopathy 5; ARRHYTHMOGENIC RIGHT VENTRICULAR DYSPLASIA, FAMILIAL, 5. Identifiers: MedGen C1858379, MONDO:0011459, OMIM 604400.

Submission:

All of Us Research Program, National Institutes of Health
Classification: Uncertain significance for Arrhythmogenic right ventricular dysplasia 5. Last evaluated: 2023-07-10. Review status: criteria provided, single submitter. Criteria: ACMG Guidelines, 2015. Collection method: clinical testing. Allele origin: germline. Inheritance: Autosomal dominant inheritance. Observed: 2 variant alleles, 2 heterozygotes.
Comment: This missense variant replaces alanine with glycine at codon 365 of the TMEM43 protein. Computational prediction suggests that this variant may not impact protein structure and function (internally defined REVEL score threshold <= 0.5, PMID: 27666373). To our knowledge, functional studies have not been reported for this variant. This variant has not been reported in individuals affected with TMEM43-related disorders in the literature. This variant has not been identified in the general population by the Genome Aggregation Database (gnomAD). The available evidence is insufficient to determine the role of this variant in disease conclusively. Therefore, this variant is classified as a Variant of Uncertain Significance.

This study involves interpretation of variants in research participants for the purpose of population health screening. Participant phenotype was not available at the time of variant classification. Additional details can be found in publication PMID: 35346344, PMCID: PMC8962531

NM_024334.3(TMEM43):c.1094C>G (p.Ala365Gly)

Gene: TMEM43 (transmembrane protein 43; plus strand). Cytogenetic location: 3p25.1.
Variant type: single nucleotide variant.
Coding change: c.1094C>G on transcript NM_024334.3 (MANE Select); coding-DNA position 1094, C replaced by G.
Protein change: p.Ala365Gly; replaces alanine 365 with glycine.
Molecular consequence: missense variant.
Genome position (GRCh38, 1-based): chr3:14,141,686, C>G. VCF-style: chr3-14141686-C-G. GRCh37 (hg19) VCF-style: chr3-14183186-C-G.
Other names: c.1097C>G, p.Ala366Gly (NM_001407274.1); c.1091C>G, p.Ala364Gly (NM_001407275.1, NM_001407276.1); c.1088C>G, p.Ala363Gly (NM_001407277.1); c.1079C>G, p.Ala360Gly (NM_001407278.1); c.1019C>G, p.Ala340Gly (NM_001407279.1); c.944C>G, p.Ala315Gly (NM_001407280.1); short protein forms A315G, A340G, A360G, A363G, A364G, A365G, A366G.
Identifiers: ClinVar variation 3071086 (VCV003071086.1), dbSNP rs1052317732, ClinGen allele CA351536525.